The following is an entry in ClinVar:

NM_001040108.2(MLH3):c.2194A>C (p.Lys732Gln)

Gene: MLH3 (mutL homolog 3; minus strand). Cytogenetic location: 14q24.3.
Variant type: single nucleotide variant.
Coding change: c.2194A>C on transcript NM_001040108.2 (MANE Select); coding-DNA position 2194, A replaced by C.
Protein change: p.Lys732Gln; replaces lysine 732 with glutamine.
Molecular consequence: missense variant.
Genome position (GRCh38, 1-based): chr14:75,047,462, T>G on the plus strand (A>C on the coding strand, the complement: MLH3 is on the minus strand). VCF-style: chr14-75047462-T-G. GRCh37 (hg19) VCF-style: chr14-75514165-T-G.
Other names: c.2194A>C, p.Lys732Gln (NM_014381.3); short protein forms K732Q.
Identifiers: ClinVar variation 1787456 (VCV001787456.5), dbSNP rs756278550, ClinGen allele CA7275738.

ClinVar aggregate classification (germline): Uncertain significance. Review status: criteria provided, multiple submitters, no conflicts (2 of 4 stars). 2 submissions from 2 submitters: Uncertain significance (2). Last evaluated 2025-06-06.

Conditions:
Colorectal cancer. Also called: Colorectal cancer, somatic; Malignant Colorectal Neoplasm. Identifiers: MedGen C0346629, MONDO:0005575, OMIM 114500.
Endometrial carcinoma. Also called: Endometrial carcinoma, somatic. Identifiers: MedGen C0476089, MONDO:0002447, OMIM 608089, HP:0012114.
Colorectal cancer, hereditary nonpolyposis, type 7. Identifiers: Orphanet 144, MedGen C1858380, MONDO:0013725, OMIM 614385.

Allele frequency attached by ClinVar (database versions not stated): gnomAD exomes below 0.00001; ExAC 0.00001.
gnomAD v4.1: 2 of 1,614,134 alleles (0.00012%); highest among the groups gnomAD compares: Non-Finnish European, 0.000085%; no homozygotes.

Submissions (2):

Ambry Genetics
Classification: Uncertain significance. Last evaluated: 2025-06-06. Review status: criteria provided, single submitter. Criteria: Ambry Variant Classification Scheme 2023. Collection method: clinical testing. Allele origin: germline.
Comment: The p.K732Q variant (also known as c.2194A>C), located in coding exon 1 of the MLH3 gene, results from an A to C substitution at nucleotide position 2194. The lysine at codon 732 is replaced by glutamine, an amino acid with similar properties. This amino acid position is conserved. In addition, this alteration is predicted to be tolerated by in silico analysis. Since supporting evidence is limited at this time, the clinical significance of this alteration remains unclear.

Department of Pathology and Laboratory Medicine, Sinai Health System
Classification: Uncertain significance for Colorectal cancer; Endometrial carcinoma; Colorectal cancer, hereditary nonpolyposis, type 7. Last evaluated: 2023-06-02. Review status: criteria provided, single submitter. Criteria: ACMG Guidelines, 2015. Collection method: clinical testing. Allele origin: germline. Affected: yes.